The following is an entry in ClinVar:

ClinVar aggregate classification (germline): Likely pathogenic (1 of 4 stars; one submission).

Conditions:
Hereditary cancer-predisposing syndrome. Also called: Neoplastic Syndromes, Hereditary; Tumor predisposition; Hereditary Cancer Syndrome; Hereditary neoplastic syndrome. Identifiers: Orphanet 140162, MedGen C0027672, MeSH D009386, MONDO:0015356.

Submission:

Ambry Genetics
Classification: Likely pathogenic for Hereditary cancer-predisposing syndrome. Last evaluated: 2024-11-22. Review status: criteria provided, single submitter. Criteria: Ambry Variant Classification Scheme 2023. Collection method: clinical testing. Allele origin: germline.
Comment: The c.122dupC variant, located in coding exon 2 of the POT1 gene, results from a duplication of C at nucleotide position 122, causing a translational frameshift with a predicted alternate stop codon (p.D42*). The predicted stop codon occurs in the 5&rsquo; end of thePOT1 gene. Premature termination codons in the 5&rsquo; end of a gene have been reported to escape nonsense-mediated mRNAdecay and/or lead to re-initiation (Rivas et al. Science. 2015 May 8;348(6235):666-9; Lindeboom et al. Nat Genet. 2016 Oct;48(10):1112-8; Rhee et al. Sci Rep. 2017 May 10;7(1):1653). Direct evidence for this alteration is unavailable, however premature termination codons are typically deleterious in nature. This variant is considered to be rare based on population cohorts in the Genome Aggregation Database (gnomAD). Based on the majority of available evidence to date, this variant is likely to be pathogenic.

NM_015450.3(POT1):c.122dup (p.Thr41_Asp42insTer)

Gene: POT1 (protection of telomeres 1; minus strand). Cytogenetic location: 7q31.33.
Variant type: Duplication.
Coding change: c.122dup on transcript NM_015450.3 (MANE Select); coding-DNA position 122, one base duplicated (C; older notation c.122dupC).
Protein change: p.Thr41_Asp42insTer.
Molecular consequence: frameshift variant. On other transcripts: 5 prime UTR variant (1), non-coding transcript variant (3).
Genome position (GRCh38, 1-based): chr7:124,892,268, G duplicated on the plus strand (C on the coding strand, the reverse complement: POT1 is on the minus strand). VCF-style (leftmost placement, unchanged base first): chr7-124892267-A-AG. GRCh37 (hg19) VCF-style: chr7-124532321-A-AG.
Other names: c.-141dup (NM_001042594.2).
Identifiers: ClinVar variation 3423148 (VCV003423148.1).